The following is an entry in ClinVar:

NM_000551.4(VHL):c.592_594del (p.Leu198del)

Genes: VHL (von Hippel-Lindau tumor suppressor; plus strand), LOC107303340 (3p25 von Hippel-Lindau tumor suppressor, E3 ubiquitin protein ligase Alu-mediated recombination region; plus strand). Cytogenetic location: 3p25.3.
Variant type: Deletion.
Coding change: c.592_594del on transcript NM_000551.4 (MANE Select); coding-DNA positions 592 to 594, 3 bases deleted (CTG; older notation c.592_594delCTG).
Protein change: p.Leu198del; deletes leucine 198.
Molecular consequence: inframe deletion. On other transcripts: 3 prime UTR variant (1).
Genome position (GRCh38, 1-based): chr3:10,149,915-10,149,917, CTG deleted. VCF-style (leftmost placement, unchanged base first): chr3-10149914-CCTG-C. GRCh37 (hg19) VCF-style: chr3-10191598-CCTG-C.
Other names: c.*146_*148del (NM_001354723.2); c.469_471del, p.Leu157del (NM_198156.3); short protein forms L157del, L198del.
Identifiers: ClinVar variation 1370828 (VCV001370828.6), dbSNP rs2125130773, ClinGen allele CA2573136194.

ClinVar aggregate classification (germline): Uncertain significance (1 of 4 stars; one submission).

Conditions:
Chuvash polycythemia. Also called: POLYCYTHEMIA, VHL-DEPENDENT. Identifiers: Orphanet 238557, MedGen C1837915, MONDO:0009892, OMIM 263400.
Von Hippel-Lindau syndrome (VHLS). Also called: Von Hippel-Lindau; von Hippel–Lindau syndrome; VHL syndrome. Identifiers: Orphanet 892, MedGen C0019562, MONDO:0008667, OMIM 193300. Disease mechanism: loss of function.

Submission:

Labcorp Genetics (formerly Invitae), Labcorp
Classification: Uncertain significance for Von Hippel-Lindau syndrome; Chuvash polycythemia. Last evaluated: 2021-07-30. Review status: criteria provided, single submitter. Criteria: Invitae Variant Classification Sherloc (09022015). Collection method: clinical testing. Allele origin: germline.
Comment: In summary, the available evidence is currently insufficient to determine the role of this variant in disease. Therefore, it has been classified as a Variant of Uncertain Significance. This variant disrupts a region of the VHL protein in which other variant(s) (p.Leu198Gln) have been determined to be pathogenic (Invitae). This suggests that this is a clinically significant region of the protein, and that variants that disrupt it are likely to be disease-causing. This variant has not been reported in the literature in individuals affected with VHL-related conditions. This variant is not present in population databases (ExAC no frequency). This variant, c.592_594del, results in the deletion of 1 amino acid(s) of the VHL protein (p.Leu198del), but otherwise preserves the integrity of the reading frame.